The following is an entry in ClinVar:

NM_006218.4(PIK3CA):c.2368T>C (p.Ser790Pro)

Gene: PIK3CA (phosphatidylinositol-4,5-bisphosphate 3-kinase catalytic subunit alpha; plus strand). Cytogenetic location: 3q26.32.
Variant type: single nucleotide variant.
Coding change: c.2368T>C on transcript NM_006218.4 (MANE Select); coding-DNA position 2368, T replaced by C.
Protein change: p.Ser790Pro; replaces serine 790 with proline.
Molecular consequence: missense variant.
Genome position (GRCh38, 1-based): chr3:179,224,773, T>C. VCF-style: chr3-179224773-T-C. GRCh37 (hg19) VCF-style: chr3-178942561-T-C.
Other names: short protein forms S790P.
Identifiers: ClinVar variation 1429104 (VCV001429104.13), dbSNP rs2108418067, ClinGen allele CA355272283.
Genomic context (GRCh38, chr3:179,224,773, plus strand): 5'-CGAATTATGTCCTCTGCAAAAAGGCCACTGTGGTTGAATTGGGAGAACCCAGACATCATG[T>C]CAGAGTTACTGTTTCAGAACAATGAGATCATCTTTAAAAATGGGGATGGTAAGGAAGAGT-3'
Protein context (NP_006209.2, residues 780-800): WLNWENPDIM[Ser790Pro]ELLFQNNEII

ClinVar aggregate classification (germline): Uncertain significance. Review status: criteria provided, multiple submitters, no conflicts (2 of 4 stars). 2 submissions from 2 submitters: Uncertain significance (2). Last evaluated 2024-01-19.

Conditions:
Inborn genetic diseases. Identifiers: MedGen C0950123, MeSH D030342.
Cowden syndrome (CS). Also called: Cowden's disease; Cowden's syndrome; Cowden disease. Identifiers: Orphanet 201, MedGen C0018553, MONDO:0016063. Disease mechanism: gain of function.

Allele frequency attached by ClinVar (database versions not stated): gnomAD exomes below 0.00001.
gnomAD v4.1: 4 of 1,606,728 alleles (0.00025%); highest among the groups gnomAD compares: Non-Finnish European, 0.00034%; no homozygotes.

Submissions (2):

Ambry Genetics
Classification: Uncertain significance for Inborn genetic diseases. Last evaluated: 2024-01-19. Review status: criteria provided, single submitter. Criteria: Ambry Variant Classification Scheme 2023. Collection method: clinical testing. Allele origin: germline.
Comment: The p.S790P variant (also known as c.2368T>C), located in coding exon 15 of the PIK3CA gene, results from a T to C substitution at nucleotide position 2368. The serine at codon 790 is replaced by proline, an amino acid with similar properties. This amino acid position is conserved. In addition, this alteration is predicted to be deleterious by in silico analysis. Since supporting evidence is limited at this time, the clinical significance of this alteration remains unclear.

Labcorp Genetics (formerly Invitae), Labcorp
Classification: Uncertain significance for Cowden syndrome. Last evaluated: 2022-08-23. Review status: criteria provided, single submitter. Criteria: Invitae Variant Classification Sherloc (09022015). Collection method: clinical testing. Allele origin: germline.
Comment: This variant has not been reported in the literature in individuals affected with PIK3CA-related conditions. This variant is not present in population databases (gnomAD no frequency). This sequence change replaces serine, which is neutral and polar, with proline, which is neutral and non-polar, at codon 790 of the PIK3CA protein (p.Ser790Pro). ClinVar contains an entry for this variant (Variation ID: 1429104). In summary, the available evidence is currently insufficient to determine the role of this variant in disease. Therefore, it has been classified as a Variant of Uncertain Significance. Algorithms developed to predict the effect of missense changes on protein structure and function are either unavailable or do not agree on the potential impact of this missense change (SIFT: "Deleterious"; PolyPhen-2: "Benign"; Align-GVGD: "Class C0").